The following is an entry in ClinVar:

ClinVar aggregate classification (germline): Benign (1 of 4 stars; one submission).

Conditions:
Papillary renal cell carcinoma type 1 (RCCP1). Also called: Renal adenocarcinoma; Renal cell carcinoma 1; Renal cell carcinoma, somatic; RENAL CELL CARCINOMA, PAPILLARY, 1, SOMATIC. Identifiers: Orphanet 47044, MedGen C1336839, OMIM 605074, HP:0011797.

Submission:

Myriad Genetics, Inc.
Classification: Benign for Papillary renal cell carcinoma type 1. Last evaluated: 2024-11-06. Review status: criteria provided, single submitter. Criteria: Myriad Autosomal Dominant, Autosomal Recessive and X-Linked Classification Criteria (2023). Collection method: clinical testing. Allele origin: unknown.
Comment: This variant is considered benign. This variant is a silent/synonymous amino acid change and it is not expected to impact splicing.

NM_000245.4(MET):c.600C>T (p.Thr200=)

Gene: MET (MET proto-oncogene, receptor tyrosine kinase; plus strand). Cytogenetic location: 7q31.2.
Variant type: single nucleotide variant.
Coding change: c.600C>T on transcript NM_000245.4 (MANE Select); coding-DNA position 600, C replaced by T.
Protein change: p.Thr200=; no amino-acid change (threonine 200 retained).
Molecular consequence: synonymous variant. On other transcripts: intron variant (1).
Genome position (GRCh38, 1-based): chr7:116,699,684, C>T. VCF-style: chr7-116699684-C-T. GRCh37 (hg19) VCF-style: chr7-116339738-C-T.
Other names: c.600C>T, p.Thr200= (NM_001127500.3, NM_001324401.3); c.-91+27107C>T (NM_001324402.2).
Identifiers: ClinVar variation 3773136 (VCV003773136.1).